The following is an entry in ClinVar:

ClinVar aggregate classification (germline): Uncertain significance (1 of 4 stars; one submission).

Allele frequency attached by ClinVar (database versions not stated): gnomAD 0.00001 and 0.00002; gnomAD exomes 0.00001; TOPMed 0.00001; ExAC 0.00002; ESP Exome Variant Server 0.00008.
gnomAD v4.1: 16 of 1,614,032 alleles (0.00099%); highest among the groups gnomAD compares: African/African-American, 0.0027%; no homozygotes.

Submission:

Labcorp Genetics (formerly Invitae), Labcorp
Classification: Uncertain significance. Last evaluated: 2019-11-13. Review status: criteria provided, single submitter. Criteria: Invitae Variant Classification Sherloc (09022015). Collection method: clinical testing. Allele origin: germline.
Comment: This sequence change replaces alanine with serine at codon 764 of the CDHR1 protein (p.Ala764Ser). The alanine residue is highly conserved and there is a moderate physicochemical difference between alanine and serine. This variant is present in population databases (rs367757135, ExAC 0.02%). This variant has not been reported in the literature in individuals with CDHR1-related conditions. Algorithms developed to predict the effect of missense changes on protein structure and function are either unavailable or do not agree on the potential impact of this missense change (SIFT: "Deleterious"; PolyPhen-2: "Benign"; Align-GVGD: "Class C0"). In summary, the available evidence is currently insufficient to determine the role of this variant in disease. Therefore, it has been classified as a Variant of Uncertain Significance.

NM_033100.4(CDHR1):c.2290G>T (p.Ala764Ser)

Gene: CDHR1 (cadherin related family member 1; plus strand). Cytogenetic location: 10q23.1.
Variant type: single nucleotide variant.
Coding change: c.2290G>T on transcript NM_033100.4 (MANE Select); coding-DNA position 2290, G replaced by T.
Protein change: p.Ala764Ser; replaces alanine 764 with serine.
Molecular consequence: missense variant. On other transcripts: intron variant (1).
Genome position (GRCh38, 1-based): chr10:84,214,331, G>T. VCF-style: chr10-84214331-G-T. GRCh37 (hg19) VCF-style: chr10-85974087-G-T.
Other names: c.2040+983G>T (NM_001171971.3); short protein forms A764S.
Identifiers: ClinVar variation 967104 (VCV000967104.9), dbSNP rs367757135, ClinGen allele CA5580192.
Genomic context (GRCh38, chr10:84,214,331, plus strand): 5'-CCCAGCCCTGCGCCCCGCACCATCCGCATTGAGTGGCTCAAGTCCAAGAGCACCAAAGCC[G>T]CTACCAAGTTCATGCTCAAAGAGAAACCTCCCAATGAGAACTGTAACAACAACAGCCCAG-3'
Protein context (NP_149091.1, residues 754-774): EWLKSKSTKA[Ala764Ser]TKFMLKEKPP